The following is an entry in ClinVar:

ClinVar aggregate classification (germline): Uncertain significance (1 of 4 stars; one submission).

Conditions:
Aneurysm-osteoarthritis syndrome. Also called: SMAD3-Related Loeys-Dietz Syndrome; ANEURYSMS-OSTEOARTHRITIS SYNDROME; Loeys-Dietz syndrome, type 1C; LOEYS-DIETZ SYNDROME WITH OSTEOARTHRITIS. Identifiers: Orphanet 284984, MedGen C3151087, MONDO:0013426, OMIM 613795.

Submission:

All of Us Research Program, National Institutes of Health
Classification: Uncertain significance for Aneurysm-osteoarthritis syndrome. Last evaluated: 2023-05-04. Review status: criteria provided, single submitter. Criteria: ACMG Guidelines, 2015. Collection method: clinical testing. Allele origin: germline. Inheritance: Autosomal dominant inheritance. Observed: 1 variant allele, 1 heterozygote.
Comment: This variant causes an in-frame insertion of 6 amino acids of the SMAD3 protein. To our knowledge, functional studies have not been reported for this variant. This variant has not been reported in individuals affected with SMAD3-related disorders in the literature. This variant has not been identified in the general population by the Genome Aggregation Database (gnomAD). The available evidence is insufficient to determine the role of this variant in disease conclusively. Therefore, this variant is classified as a Variant of Uncertain Significance.

This study involves interpretation of variants in research participants for the purpose of population health screening. Participant phenotype was not available at the time of variant classification. Additional details can be found in publication PMID: 35346344, PMCID: PMC8962531

NM_005902.4(SMAD3):c.665_666insCAGTTACCTACTGCG (p.Gln222delinsHisSerTyrLeuLeuArg)

Gene: SMAD3 (SMAD family member 3; plus strand). Cytogenetic location: 15q22.33.
Variant type: Insertion.
Coding change: c.665_666insCAGTTACCTACTGCG on transcript NM_005902.4 (MANE Select); coding-DNA positions 665 to 666, CAGTTACCTACTGCG inserted.
Protein change: p.Gln222delinsHisSerTyrLeuLeuArg.
Molecular consequence: inframe indel.
Genome position: GRCh38 VCF-style: chr15-67181247-A-ACAGTTACCTACTGCG. GRCh37 (hg19) VCF-style: chr15-67473585-A-ACAGTTACCTACTGCG.
Other names: c.350_351insCAGTTACCTACTGCG, p.Gln117delinsHisSerTyrLeuLeuArg (NM_001145102.2, NM_001407016.1); c.533_534insCAGTTACCTACTGCG, p.Gln178delinsHisSerTyrLeuLeuArg (NM_001145103.2, NM_001407012.1); c.80_81insCAGTTACCTACTGCG, p.Gln27delinsHisSerTyrLeuLeuArg (NM_001145104.2, NM_001407017.1); c.665_666insCAGTTACCTACTGCG, p.Gln222delinsHisSerTyrLeuLeuArg (NM_001407011.1, NM_001407013.1); c.518_519insCAGTTACCTACTGCG, p.Gln173delinsHisSerTyrLeuLeuArg (NM_001407014.1); c.218_219insCAGTTACCTACTGCG, p.Gln73delinsHisSerTyrLeuLeuArg (NM_001407015.1).
Identifiers: ClinVar variation 3070768 (VCV003070768.1), dbSNP rs2505282864, ClinGen allele CA2825002297.